The following is an entry in ClinVar:

NM_001267550.2(TTN):c.40634-16del

Gene: TTN (titin; minus strand). Cytogenetic location: 2q31.2.
Variant type: Deletion.
Coding change: c.40634-16del on transcript NM_001267550.2 (MANE Select); 16 bases into the intron before coding-DNA position 40634, one base deleted (T; older notation c.40634-16delT).
Molecular consequence: intron variant.
Genome position (GRCh38, 1-based): chr2:178,640,646, A deleted on the plus strand (T on the coding strand, the reverse complement: TTN is on the minus strand). VCF-style (leftmost placement, unchanged base first): chr2-178640645-TA-T. GRCh37 (hg19) VCF-style: chr2-179505372-TA-T.
Other names: c.32930-16delT (NM_133378.4); c.13439-16del (NM_003319.4); c.14015-16del (NM_133437.4); c.13814-16del (NM_133432.3); c.32930-16del (NM_133378.4); c.35711-16del (NM_001256850.1).
Identifiers: ClinVar variation 3629696 (VCV003629696.3).

ClinVar aggregate classification (germline): Likely benign. Review status: criteria provided, multiple submitters, no conflicts (2 of 4 stars). 2 submissions from 2 submitters: Likely benign (2). Last evaluated 2025-09-07.

Conditions:
Autosomal recessive limb-girdle muscular dystrophy type 2J (LGMDR10). Also called: Limb-girdle muscular dystrophy, type 2J; MUSCULAR DYSTROPHY, LIMB-GIRDLE, AUTOSOMAL RECESSIVE 10. Identifiers: Orphanet 140922, MedGen C1837342, MONDO:0012127, OMIM 608807.
Dilated cardiomyopathy 1G (CMD1G). Identifiers: Orphanet 154, MedGen C1858763, MONDO:0011400, OMIM 604145.

Submissions (2):

Labcorp Genetics (formerly Invitae), Labcorp
Classification: Likely benign for Dilated cardiomyopathy 1G; Autosomal recessive limb-girdle muscular dystrophy type 2J. Last evaluated: 2025-09-07. Review status: criteria provided, single submitter. Criteria: Invitae Variant Classification Sherloc (09022015). Collection method: clinical testing. Allele origin: germline.

Women's Health and Genetics/Laboratory Corporation of America, LabCorp
Classification: Likely benign. Last evaluated: 2024-11-12. Review status: criteria provided, single submitter. Criteria: LabCorp Variant Classification Summary - May 2015. Collection method: clinical testing. Allele origin: germline.
Comment: Variant summary: TTN NM_133378:c.32930-16delT, also known as NM_001267550:c.40634-16delT, alters a non-conserved nucleotide located at a position not widely known to affect splicing. Consensus agreement among computation tools predict no significant impact on normal splicing. However, these predictions have yet to be confirmed by functional studies. The variant allele was found at a frequency of 5e-06 in 198794 control chromosomes. The available data on variant occurrences in the general population are insufficient to allow any conclusion about variant significance. To our knowledge, no occurrence of c.32930-16delT in individuals affected with TTN-related conditions and no experimental evidence demonstrating its impact on protein function have been reported. No submitters have cited clinical-significance assessments for this variant to ClinVar. Based on the evidence outlined above, the variant was classified as likely benign.